The following is an entry in ClinVar:

ClinVar aggregate classification (germline): Uncertain significance (1 of 4 stars; one submission).

gnomAD v4.1: 38 of 1,581,132 alleles (0.0024%); highest among the groups gnomAD compares: Non-Finnish European, 0.0032%; no homozygotes.

Submission:

Labcorp Genetics (formerly Invitae), Labcorp
Classification: Uncertain significance. Last evaluated: 2024-12-23. Review status: criteria provided, single submitter. Criteria: Invitae Variant Classification Sherloc (09022015). Collection method: clinical testing. Allele origin: germline.
Comment: This sequence change replaces glutamic acid, which is acidic and polar, with lysine, which is basic and polar, at codon 102 of the SON protein (p.Glu102Lys). This variant is not present in population databases (gnomAD no frequency). This variant has not been reported in the literature in individuals affected with SON-related conditions. An algorithm developed to predict the effect of missense changes on protein structure and function (PolyPhen-2) suggests that this variant is likely to be disruptive. In summary, the available evidence is currently insufficient to determine the role of this variant in disease. Therefore, it has been classified as a Variant of Uncertain Significance.

NM_138927.4(SON):c.304G>A (p.Glu102Lys)

Gene: SON (SON DNA and RNA binding protein; plus strand). Cytogenetic location: 21q22.11.
Variant type: single nucleotide variant.
Coding change: c.304G>A on transcript NM_138927.4 (MANE Select); coding-DNA position 304, G replaced by A.
Protein change: p.Glu102Lys; replaces glutamic acid 102 with lysine.
Molecular consequence: missense variant. On other transcripts: non-coding transcript variant (1), intron variant (1).
Genome position (GRCh38, 1-based): chr21:33,549,535, G>A. VCF-style: chr21-33549535-G-A. GRCh37 (hg19) VCF-style: chr21-34921841-G-A.
Other names: c.304G>A, p.Glu102Lys (NM_001291411.2, NM_032195.3); c.244+3156G>A (NM_001291412.3); short protein forms E102K.
Identifiers: ClinVar variation 3710914 (VCV003710914.2).